The following is an entry in ClinVar:

NM_001077350.3(NPRL3):c.280del (p.Val94fs)

Genes: HBA-LCR (alpha-globin locus control region; plus strand), NPRL3 (NPR3 like, GATOR1 complex subunit; minus strand). Cytogenetic location: 16p13.3.
Variant type: Deletion.
Coding change: c.280del on transcript NM_001077350.3 (MANE Select); coding-DNA position 280, one base deleted (G; older notation c.280delG).
Protein change: p.Val94fs; shifts the reading frame from valine 94.
Molecular consequence: frameshift variant. On other transcripts: intron variant (1).
Genome position (GRCh38, 1-based): chr16:119,164, C deleted on the plus strand (G on the coding strand, the reverse complement: NPRL3 is on the minus strand). VCF-style (leftmost placement, unchanged base first): chr16-119163-AC-A. GRCh37 (hg19) VCF-style: chr16-169162-AC-A.
Other names: c.46del, p.Val16fs (NM_001243247.2); c.280del, p.Val94fs (NM_001243248.2, NM_001243249.2); c.-144-6389del (NM_001039476.3); short protein forms V16fs, V94fs.
Identifiers: ClinVar variation 1385105 (VCV001385105.6), dbSNP rs2141960644, ClinGen allele CA2573151691.

ClinVar aggregate classification (germline): Pathogenic (1 of 4 stars; one submission).

Conditions:
Epilepsy, familial focal, with variable foci 3 (FFEVF3). Identifiers: MedGen C4310708, MONDO:0014925, OMIM 617118.

Submission:

Labcorp Genetics (formerly Invitae), Labcorp
Classification: Pathogenic for Epilepsy, familial focal, with variable foci 3. Last evaluated: 2024-02-26. Review status: criteria provided, single submitter. Criteria: Invitae Variant Classification Sherloc (09022015). Collection method: clinical testing. Allele origin: germline.
Comment: This sequence change creates a premature translational stop signal (p.Val94Leufs*28) in the NPRL3 gene. It is expected to result in an absent or disrupted protein product. Loss-of-function variants in NPRL3 are known to be pathogenic (PMID: 26285051, 26505888). This variant is not present in population databases (gnomAD no frequency). This variant has not been reported in the literature in individuals affected with NPRL3-related conditions. ClinVar contains an entry for this variant (Variation ID: 1385105). For these reasons, this variant has been classified as Pathogenic.

Literature cited by the submitters: PubMed 26285051; PubMed 26505888.